The following is an entry in ClinVar:

NM_003383.5(VLDLR):c.1791G>A (p.Ala597=)

Gene: VLDLR (very low density lipoprotein receptor; plus strand). Cytogenetic location: 9p24.2.
Variant type: single nucleotide variant.
Coding change: c.1791G>A on transcript NM_003383.5 (MANE Select); coding-DNA position 1791, G replaced by A.
Protein change: p.Ala597=; no amino-acid change (alanine 597 retained).
Molecular consequence: synonymous variant.
Genome position (GRCh38, 1-based): chr9:2,647,561, G>A. VCF-style: chr9-2647561-G-A. GRCh37 (hg19) VCF-style: chr9-2647561-G-A.
Other names: c.1791G>A, p.Ala597= (NM_001018056.3); c.1668G>A, p.Ala556= (NM_001322225.2, NM_001322226.2).
Identifiers: ClinVar variation 366371 (VCV000366371.24), dbSNP rs115773578, ClinGen allele CA4964936.

ClinVar aggregate classification (germline): Conflicting classifications of pathogenicity. Review status: criteria provided, conflicting classifications (1 of 4 stars). 5 submissions from 5 submitters: Uncertain significance (1); Likely benign (3). 1 of the submissions does not count toward it. Last evaluated 2026-01-24.

Conditions:
Cerebellar ataxia, impaired intellectual development, and dysequilibrium syndrome 1. Also called: Cerebellar hypoplasia and mental retardation with or without quadrupedal locomotion 1; Cerebellar ataxia, mental retardation, and dysequilibrium syndrome 1; Cerebellar ataxia, intellectual disability, and dysequilibrium syndrome 1; VLDLR Cerebellar Hypoplasia; CEREBELLAR ATAXIA AND MENTAL RETARDATION WITH OR WITHOUT QUADRUPEDAL LOCOMOTION 1; CEREBELLAR ATAXIA, CONGENITAL, AND MENTAL RETARDATION, AUTOSOMAL RECESSIVE. Identifiers: Orphanet 1766, MedGen C4551552, MONDO:0024542, OMIM 224050.
VLDLR-related disorder. Also called: VLDLR-related condition.

Allele frequency attached by ClinVar (database versions not stated): gnomAD 0.00054 and 0.00053; 1000 Genomes Project 30x 0.00047; gnomAD exomes 0.00049 and 0.00048; ExAC 0.00051; ESP Exome Variant Server 0.00031; TOPMed 0.00045; 1000 Genomes Project 0.00060.
gnomAD v4.1: 771 of 1,614,070 alleles (0.048%); highest among the groups gnomAD compares: Admixed American, 0.11%; 2 homozygotes.

Submissions (5):

Labcorp Genetics (formerly Invitae), Labcorp
Classification: Likely benign. Last evaluated: 2026-01-24. Review status: criteria provided, single submitter. Criteria: Invitae Variant Classification Sherloc (09022015). Collection method: clinical testing. Allele origin: germline.

CeGaT Center for Human Genetics Tuebingen
Classification: Likely benign. Last evaluated: 2025-03-01. Review status: criteria provided, single submitter. Criteria: CeGaT Center For Human Genetics Tuebingen Variant Classification Criteria Version 2. Collection method: clinical testing. Allele origin: germline. Affected: yes. Observed: 1 variant allele.
Comment: VLDLR: BP4, BP7

Blueprint Genetics
Classification: Likely benign. Last evaluated: 2024-11-25. Review status: criteria provided, single submitter. Criteria: ACMG Guidelines, 2015. Collection method: clinical testing. Allele origin: germline.

Illumina Laboratory Services, Illumina
Classification: Uncertain significance for Cerebellar ataxia, impaired intellectual development, and dysequilibrium syndrome 1. Last evaluated: 2018-01-12. Review status: criteria provided, single submitter. Criteria: ICSL Variant Classification Criteria 13 December 2019. Collection method: clinical testing. Allele origin: germline.

PreventionGenetics, part of Exact Sciences
Classification: Likely benign for VLDLR-related condition. Last evaluated: 2019-06-20. Review status: no assertion criteria provided. Collection method: clinical testing. Allele origin: germline. Not counted in ClinVar's aggregate classification.
Comment: This variant is classified as likely benign based on ACMG/AMP sequence variant interpretation guidelines (Richards et al. 2015 PMID: 25741868, with internal and published modifications).